The following is an entry in ClinVar:

NM_001283009.2(RTEL1):c.3664G>T (p.Gly1222Trp)

Genes: RTEL1 (regulator of telomere elongation helicase 1; plus strand), RTEL1-TNFRSF6B (RTEL1-TNFRSF6B readthrough (NMD candidate); plus strand). Cytogenetic location: 20q13.33.
Variant type: single nucleotide variant.
Coding change: c.3664G>T on transcript NM_001283009.2 (MANE Select); coding-DNA position 3664, G replaced by T.
Protein change: p.Gly1222Trp; replaces glycine 1222 with tryptophan.
Molecular consequence: missense variant. On other transcripts: non-coding transcript variant (1), intron variant (3).
Genome position (GRCh38, 1-based): chr20:63,695,492, G>T. VCF-style: chr20-63695492-G-T. GRCh37 (hg19) VCF-style: chr20-62326845-G-T.
Other names: c.2983+12G>T (NM_001283010.1); c.3724+12G>T (NM_032957.5); c.3652+12G>T (NM_016434.4); short protein forms G1222W.
Identifiers: ClinVar variation 4629522 (VCV004629522.1).

ClinVar aggregate classification (germline): Uncertain significance (1 of 4 stars; one submission).

Conditions:
Inborn genetic diseases. Identifiers: MedGen C0950123, MeSH D030342.

Submission:

Ambry Genetics
Classification: Uncertain significance for Inborn genetic diseases. Last evaluated: 2025-09-28. Review status: criteria provided, single submitter. Criteria: Ambry Variant Classification Scheme 2023. Collection method: clinical testing. Allele origin: germline.
Comment: The p.G1222W variant (also known as c.3664G>T), located in coding exon 33 of the RTEL1 gene, results from a G to T substitution at nucleotide position 3664. The glycine at codon 1222 is replaced by tryptophan, an amino acid with highly dissimilar properties. This amino acid position is conserved. In addition, this alteration is predicted to be tolerated by in silico analysis. Based on the available evidence, the clinical significance of this variant remains unclear.